The following is an entry in ClinVar:

NM_000038.6(APC):c.457A>C (p.Lys153Gln)

Gene: APC (APC regulator of Wnt signaling pathway; plus strand). Cytogenetic location: 5q22.2.
Variant type: single nucleotide variant.
Coding change: c.457A>C on transcript NM_000038.6 (MANE Select); coding-DNA position 457, A replaced by C.
Protein change: p.Lys153Gln; replaces lysine 153 with glutamine.
Molecular consequence: missense variant. On other transcripts: 5 prime UTR variant (1).
Genome position (GRCh38, 1-based): chr5:112,775,663, A>C. VCF-style: chr5-112775663-A-C. GRCh37 (hg19) VCF-style: chr5-112111360-A-C.
Other names: c.457A>C, p.Lys153Gln (NM_001127510.3, NM_001354895.2, NM_001354896.2 and 2 more transcripts); c.487A>C, p.Lys163Gln (NM_001127511.3, NM_001354897.2, NM_001354902.2); c.382A>C, p.Lys128Gln (NM_001354898.2, NM_001354904.2); c.280A>C, p.Lys94Gln (NM_001354900.2, NM_001354901.2, NM_001354905.2); c.-579A>C (NM_001354906.2); c.457A>C (NM_000038.5); short protein forms K128Q, K153Q, K163Q, K94Q.
Identifiers: ClinVar variation 1692147 (VCV001692147.3), dbSNP rs1561477861, ClinGen allele CA16022317.
Genomic context (GRCh38, chr5:112,775,663, plus strand): 5'-ACCTTTTTTTAAAAAAAAAAAAATAGGTCATTGCTTCTTGCTGATCTTGACAAAGAAGAA[A>C]AGGAAAAAGACTGGTATTACGCTCAACTTCAGAATCTCACTAAAAGAATAGATAGTCTTC-3'
Protein context (NP_000029.2, residues 143-163): LLLADLDKEE[Lys153Gln]EKDWYYAQLQ

ClinVar aggregate classification (germline): Uncertain significance. Review status: criteria provided, multiple submitters, no conflicts (2 of 4 stars). 3 submissions from 3 submitters: Uncertain significance (3). Last evaluated 2026-08-11.

Conditions:
Hereditary cancer-predisposing syndrome. Also called: Tumor predisposition; Hereditary neoplastic syndrome; Neoplastic Syndromes, Hereditary; Hereditary Cancer Syndrome. Identifiers: Orphanet 140162, MedGen C0027672, MeSH D009386, MONDO:0015356.
Familial adenomatous polyposis 1 (FAP1). Also called: POLYPOSIS, ADENOMATOUS INTESTINAL; FAMILIAL ADENOMATOUS POLYPOSIS 1, ATTENUATED. Identifiers: MedGen C2713442, MONDO:0021056, OMIM 175100. Disease mechanism: loss of function.

Submissions (3):

Ambry Genetics
Classification: Uncertain significance for Hereditary cancer-predisposing syndrome. Last evaluated: 2026-08-11. Review status: criteria provided, single submitter. Criteria: Ambry Variant Classification Scheme 2023. Collection method: clinical testing. Allele origin: germline.
Comment: The p.K153Q variant (also known as c.457A>C), located in coding exon 4 of the APC gene, results from an A to C substitution at nucleotide position 457. The lysine at codon 153 is replaced by glutamine, an amino acid with similar properties. This amino acid position is conserved. In addition, in silico predictors for this gene do not accurately predict pathogenicity. Based on the available evidence, the clinical significance of this variant remains unclear.

Baylor Genetics
Classification: Uncertain significance for Familial adenomatous polyposis 1. Last evaluated: 2024-03-27. Review status: criteria provided, single submitter. Criteria: ACMG Guidelines, 2015. Collection method: clinical testing. Allele origin: unknown.

Sema4
Classification: Uncertain significance for Hereditary cancer-predisposing syndrome. Last evaluated: 2022-01-25. Review status: criteria provided, single submitter. Criteria: Sema4 Curation Guidelines. Collection method: curation. Allele origin: germline.
Comment: The APC c.457A>C (p.K153Q) variant has not been reported in the literature to our knowledge. It was not observed in the large and broad cohorts of the Genome Aggregation Database (PMID: 32461654). This variant has not been reported in ClinVar. Functional studies have not been performed, and in silico predictions of the variant's effect on protein function are inconclusive. The evidence is insufficient to meet ACMG/AMP criteria for classifying the variant as benign or pathogenic. Thus, the clinical significance of this variant is currently uncertain.